The following is an entry in ClinVar:

NM_007294.4(BRCA1):c.5194-7C>T

Gene: BRCA1 (BRCA1 DNA repair associated; minus strand). Cytogenetic location: 17q21.31.
Variant type: single nucleotide variant.
Coding change: c.5194-7C>T on transcript NM_007294.4 (MANE Select); 7 bases into the intron before coding-DNA position 5194, C replaced by T.
Molecular consequence: intron variant.
Genome position (GRCh38, 1-based): chr17:43,057,142, G>A on the plus strand (C>T on the coding strand, the complement: BRCA1 is on the minus strand). VCF-style: chr17-43057142-G-A. GRCh37 (hg19) VCF-style: chr17-41209159-G-A.
Other names: c.1741-7C>T (NM_001408458.1, NM_001408461.1, NM_001408464.1 and 7 more transcripts); c.4303-7C>T (NM_001407967.1); c.4813-7C>T (NM_001407959.1); c.4927-7C>T (NM_001407931.1, NM_001407932.1, NM_001407928.1 and 4 more transcripts); c.5050-7C>T (NM_001407747.1, NM_001407745.1, NM_001407737.1 and 21 more transcripts); c.4810-7C>T (NM_001407962.1, NM_001407960.1); c.1381-7C>T (NM_001408512.1); c.1504-7C>T (NM_001408510.1); and 72 more.
Identifiers: ClinVar variation 868162 (VCV000868162.3), dbSNP rs2051533192, ClinGen allele CA916081194.
Genomic context (GRCh38, chr17:43,057,142, plus strand): 5'-TGGACCTTGGTGGTTTCTTCCATTGACCACATCTCCTCTGACTTCAAAATCATGCTGAAA[G>A]AAACCAAACACAACCCATCAGGATAAGAGAAAGAGAAGCTTCCTTCAATGGAAGTGGAGC-3'

Conditions:
Breast-ovarian cancer, familial, susceptibility to, 1 (BROVCA1). Also called: BRCA1 Hereditary Breast and Ovarian Cancer; OVARIAN CANCER, SUSCEPTIBILITY TO. Identifiers: Orphanet 145, MedGen C2676676, MONDO:0011450, OMIM 604370. Disease mechanism: loss of function.

Submission:

Brotman Baty Institute, University of Washington
No classification provided (evidence only). Condition: Breast-ovarian cancer, familial 1. Review status: no classification provided. Collection method: in vitro. Allele origin: not applicable. Functional consequence: functionally_normal.
ClinVar note: "not provided" was previously submitted as the classification for the variant. However, the classification appeared to be based only on an observation of functional data so it was converted to no classification on 2025-07-30.